The following is an entry in ClinVar:

ClinVar aggregate classification (germline): Uncertain significance. Review status: criteria provided, multiple submitters, no conflicts (2 of 4 stars). 4 submissions from 4 submitters: Uncertain significance (4). Last evaluated 2024-11-11.

Conditions:
Emery-Dreifuss muscular dystrophy 5, autosomal dominant (EDMD5). Also called: EMERY-DREIFUSS MUSCULAR DYSTROPHY 5. Identifiers: Orphanet 261, MedGen C2751805, MONDO:0013072, OMIM 612999.

Allele frequency attached by ClinVar (database versions not stated): gnomAD exomes 0.00001 and 0.00004; ExAC 0.00002; gnomAD 0.00006; TOPMed 0.00009; 1000 Genomes Project 30x 0.00016; 1000 Genomes Project 0.00020.
gnomAD v4.1: 34 of 1,614,246 alleles (0.0021%); highest among the groups gnomAD compares: Admixed American, 0.033%; no homozygotes.

Submissions (4):

Ambry Genetics
Classification: Uncertain significance. Last evaluated: 2024-11-11. Review status: criteria provided, single submitter. Criteria: Ambry Variant Classification Scheme 2023. Collection method: clinical testing. Allele origin: germline.

Labcorp Genetics (formerly Invitae), Labcorp
Classification: Uncertain significance for Emery-Dreifuss muscular dystrophy 5, autosomal dominant. Last evaluated: 2024-10-18. Review status: criteria provided, single submitter. Criteria: Invitae Variant Classification Sherloc (09022015). Collection method: clinical testing. Allele origin: germline.
Comment: This sequence change replaces asparagine, which is neutral and polar, with serine, which is neutral and polar, at codon 5864 of the SYNE2 protein (p.Asn5864Ser). This variant is present in population databases (rs566886977, gnomAD 0.01%). This variant has not been reported in the literature in individuals affected with SYNE2-related conditions. ClinVar contains an entry for this variant (Variation ID: 586754). An algorithm developed to predict the effect of missense changes on protein structure and function (PolyPhen-2) suggests that this variant is likely to be tolerated. In summary, the available evidence is currently insufficient to determine the role of this variant in disease. Therefore, it has been classified as a Variant of Uncertain Significance.

Revvity Omics, Revvity
Classification: Uncertain significance for Emery-Dreifuss muscular dystrophy 5, autosomal dominant. Last evaluated: 2019-11-08. Review status: criteria provided, single submitter. Criteria: ACMG Guidelines, 2015. Collection method: clinical testing. Allele origin: germline.

Athena Diagnostics
Classification: Uncertain significance. Last evaluated: 2017-10-20. Review status: criteria provided, single submitter. Criteria: Athena Diagnostics Criteria. Collection method: clinical testing. Allele origin: germline.

NM_182914.3(SYNE2):c.17591A>G (p.Asn5864Ser)

Gene: SYNE2 (spectrin repeat containing nuclear envelope protein 2; plus strand). Cytogenetic location: 14q23.2.
Variant type: single nucleotide variant.
Coding change: c.17591A>G on transcript NM_182914.3 (MANE Select); coding-DNA position 17591, A replaced by G.
Protein change: p.Asn5864Ser; replaces asparagine 5864 with serine.
Molecular consequence: missense variant.
Genome position (GRCh38, 1-based): chr14:64,186,458, A>G. VCF-style: chr14-64186458-A-G. GRCh37 (hg19) VCF-style: chr14-64653176-A-G.
Other names: c.17591A>G, p.Asn5864Ser (NM_015180.6); short protein forms N5864S.
Identifiers: ClinVar variation 586754 (VCV000586754.16), dbSNP rs566886977, ClinGen allele CA7223766.